The following is an entry in ClinVar:

NM_000808.4(GABRA3):c.128A>G (p.Gln43Arg)

Gene: GABRA3 (gamma-aminobutyric acid type A receptor subunit alpha3; minus strand). Cytogenetic location: Xq28.
Variant type: single nucleotide variant.
Coding change: c.128A>G on transcript NM_000808.4 (MANE Select); coding-DNA position 128, A replaced by G.
Protein change: p.Gln43Arg; replaces glutamine 43 with arginine.
Molecular consequence: missense variant.
Genome position (GRCh38, 1-based): chrX:152,364,443, T>C on the plus strand (A>G on the coding strand, the complement: GABRA3 is on the minus strand). VCF-style: chrX-152364443-T-C. GRCh37 (hg19) VCF-style: chrX-151532915-T-C.
Other names: short protein forms Q43R.
Identifiers: ClinVar variation 3768363 (VCV003768363.1).

ClinVar aggregate classification (germline): Uncertain significance (1 of 4 stars; one submission).

gnomAD v4.1: 1 of 1,209,852 alleles (0.000083%); highest among the groups gnomAD compares: Non-Finnish European, 0.00011%; no homozygotes.

Submission:

Women's Health and Genetics/Laboratory Corporation of America, LabCorp
Classification: Uncertain significance. Last evaluated: 2024-12-02. Review status: criteria provided, single submitter. Criteria: LabCorp Variant Classification Summary - May 2015. Collection method: clinical testing. Allele origin: germline.
Comment: Variant summary: GABRA3 c.128A>G (p.Gln43Arg) results in a conservative amino acid change in the encoded protein sequence. Four of five in-silico tools predict a benign effect of the variant on protein function. The variant was absent in 177076 control chromosomes. The available data on variant occurrences in the general population are insufficient to allow any conclusion about variant significance. To our knowledge, no occurrence of c.128A>G in individuals affected with Epilepsy, X-Linked 2, With Or Without Impaired Intellectual Development And Dysmorphic Features and no experimental evidence demonstrating its impact on protein function have been reported. No submitters have cited clinical-significance assessments for this variant to ClinVar. Based on the evidence outlined above, the variant was classified as uncertain significance.